The following is an entry in ClinVar:

ClinVar aggregate classification (germline): Pathogenic/Likely pathogenic. Review status: criteria provided, multiple submitters, no conflicts (2 of 4 stars). 2 submissions from 2 submitters: Pathogenic (1); Likely pathogenic (1). Last evaluated 2021-10-04.

Conditions:
Autosomal recessive Alport syndrome (ATS2). Also called: COL4A3-Related Nephropathy; ALPORT SYNDROME 2, AUTOSOMAL RECESSIVE; Alport syndrome type 2; COL4A4 Alport Syndrome and Thin Basement Membrane Nephropathy. Identifiers: Orphanet 63, Orphanet 88919, MedGen C4746745, MONDO:0008762, OMIM 203780.

Submissions (2):

Labcorp Genetics (formerly Invitae), Labcorp
Classification: Pathogenic. Last evaluated: 2021-10-04. Review status: criteria provided, single submitter. Criteria: Invitae Variant Classification Sherloc (09022015). Collection method: clinical testing. Allele origin: germline.
Comment: This sequence change creates a premature translational stop signal (p.Ser102Leufs*51) in the COL4A3 gene. It is expected to result in an absent or disrupted protein product. Loss-of-function variants in COL4A3 are known to be pathogenic (PMID: 8956999, 24854265, 26809805, 27281700). For these reasons, this variant has been classified as Pathogenic. ClinVar contains an entry for this variant (Variation ID: 974869). This premature translational stop signal has been observed in individual(s) with Alport syndrome (PMID: 32860008). This variant is not present in population databases (ExAC no frequency).

CENTOGENE GmbH and LLC - Guiding Precision Medicine
Classification: Likely pathogenic for Autosomal recessive Alport syndrome. Review status: criteria provided, single submitter. Criteria: ACMG Guidelines, 2015. Collection method: clinical testing. Allele origin: germline. Affected: yes.

Literature cited by the submitters: PubMed 8956999 (cited by Labcorp Genetics (formerly Invitae), Labcorp); PubMed 24854265 (cited by Labcorp Genetics (formerly Invitae), Labcorp); PubMed 26809805 (cited by Labcorp Genetics (formerly Invitae), Labcorp); PubMed 27281700 (cited by Labcorp Genetics (formerly Invitae), Labcorp); PubMed 32860008 (cited by Labcorp Genetics (formerly Invitae), Labcorp and CENTOGENE GmbH and LLC - Guiding Precision Medicine).

NM_000091.5(COL4A3):c.305del (p.Ser102fs)

Genes: MFF-DT (MFF divergent transcript; minus strand), COL4A3 (collagen type IV alpha 3 chain; plus strand). Cytogenetic location: 2q36.3.
Variant type: Deletion.
Coding change: c.305del on transcript NM_000091.5 (MANE Select); coding-DNA position 305, one base deleted (C; older notation c.305delC).
Protein change: p.Ser102fs; shifts the reading frame from serine 102.
Molecular consequence: frameshift variant.
Genome position (GRCh38, 1-based): chr2:227,244,976, C deleted. VCF-style (leftmost placement, unchanged base first): chr2-227244975-TC-T. GRCh37 (hg19) VCF-style: chr2-228109691-TC-T.
Other names: short protein forms S102fs.
Identifiers: ClinVar variation 974869 (VCV000974869.7), dbSNP rs2069242131, ClinGen allele CA1139655818.
Genomic context (GRCh38, chr2:227,244,975, plus strand): 5'-TTTTTTGCCACCCCCTCCTTTTTCCTATGTCTTCAGGGAATAAGTGGATTGCCAGGATTT[TC>T]TGGTTCTCCTGGACTTCCAGTAAGTAATGGGAAAAATCCGTAGCTAGAAAATTTAAAAGT-3'